The following is an entry in ClinVar:

ClinVar aggregate classification (germline): Pathogenic (1 of 4 stars; one submission).

Submission:

Athena Diagnostics
Classification: Pathogenic. Last evaluated: 2024-12-13. Review status: criteria provided, single submitter. Criteria: Athena Diagnostics Criteria. Collection method: clinical testing. Allele origin: unknown.
Comment: This variant is expected to result in the loss of a functional protein. This variant has not been reported in large, multi-ethnic general populations. This variant has been identified in at least one individual with clinical features associated with this gene.

NM_001009944.3(PKD1):c.11460dup (p.Gln3821fs)

Genes: PKD1 (polycystin 1, transient receptor potential channel interacting; minus strand), PKD1-AS1 (PKD1 antisense RNA 1; plus strand). Cytogenetic location: 16p13.3.
Variant type: Duplication.
Coding change: c.11460dup on transcript NM_001009944.3 (MANE Select); coding-DNA position 11460, one base duplicated (G; older notation c.11460dupG).
Protein change: p.Gln3821fs; shifts the reading frame from glutamine 3821.
Molecular consequence: frameshift variant.
Genome position (GRCh38, 1-based): chr16:2,091,858, C duplicated on the plus strand (G on the coding strand, the reverse complement: PKD1 is on the minus strand). VCF-style (leftmost placement, unchanged base first): chr16-2091857-G-GC. GRCh37 (hg19) VCF-style: chr16-2141858-G-GC.
Other names: c.11457dup, p.Gln3820fs (NM_000296.4); short protein forms Q3820fs, Q3821fs.
Identifiers: ClinVar variation 4682476 (VCV004682476.1).